The following is an entry in ClinVar:

NM_001128178.3(NPHP1):c.954+5G>T

Gene: NPHP1 (nephrocystin 1; minus strand). Cytogenetic location: 2q13.
Variant type: single nucleotide variant.
Coding change: c.954+5G>T on transcript NM_001128178.3 (MANE Select); 5 bases into the intron after coding-DNA position 954, G replaced by T.
Molecular consequence: intron variant.
Genome position (GRCh38, 1-based): chr2:110,161,598, C>A on the plus strand (G>T on the coding strand, the complement: NPHP1 is on the minus strand). VCF-style: chr2-110161598-C-A. GRCh37 (hg19) VCF-style: chr2-110919175-C-A.
Other names: c.765+5G>T (NM_001128179.3); c.951+5G>T (NM_001374256.1); c.954+5G>T (NM_001374257.1); c.1119+5G>T (NM_207181.4); c.1122+5G>T (NM_000272.5).
Identifiers: ClinVar variation 933366 (VCV000933366.7), dbSNP rs1242271896, ClinGen allele CA1139657191.

ClinVar aggregate classification (germline): Uncertain significance (1 of 4 stars; one submission).

Conditions:
Nephronophthisis. Also called: Juvenile Nephronophthisis. Identifiers: Orphanet 655, MedGen C0687120, MONDO:0019005, HP:0000090.

gnomAD v4.1: 1 of 1,581,664 alleles (0.000063%); highest among the groups gnomAD compares: Non-Finnish European, 0.000087%; no homozygotes.

Submission:

Labcorp Genetics (formerly Invitae), Labcorp
Classification: Uncertain significance for Nephronophthisis. Last evaluated: 2022-03-10. Review status: criteria provided, single submitter. Criteria: Invitae Variant Classification Sherloc (09022015). Collection method: clinical testing. Allele origin: germline.
Comment: In summary, the available evidence is currently insufficient to determine the role of this variant in disease. Therefore, it has been classified as a Variant of Uncertain Significance. Variants that disrupt the consensus splice site are a relatively common cause of aberrant splicing (PMID: 17576681, 9536098). Algorithms developed to predict the effect of sequence changes on RNA splicing suggest that this variant may disrupt the consensus splice site. ClinVar contains an entry for this variant (Variation ID: 933366). This variant has not been reported in the literature in individuals affected with NPHP1-related conditions. This variant is not present in population databases (gnomAD no frequency). This sequence change falls in intron 10 of the NPHP1 gene. It does not directly change the encoded amino acid sequence of the NPHP1 protein. It affects a nucleotide within the consensus splice site.

Literature cited by the submitters: PubMed 17576681; PubMed 9536098.